The following is an entry in ClinVar:

NM_000548.5(TSC2):c.4848A>C (p.Gln1616His)

Gene: TSC2 (TSC complex subunit 2; plus strand). Cytogenetic location: 16p13.3.
Variant type: single nucleotide variant.
Coding change: c.4848A>C on transcript NM_000548.5 (MANE Select); coding-DNA position 4848, A replaced by C.
Protein change: p.Gln1616His; replaces glutamine 1616 with histidine.
Molecular consequence: missense variant.
Genome position (GRCh38, 1-based): chr16:2,086,378, A>C. VCF-style: chr16-2086378-A-C. GRCh37 (hg19) VCF-style: chr16-2136379-A-C.
Other names: c.4647A>C, p.Gln1549His (NM_001077183.3); c.4779A>C, p.Gln1593His (NM_001114382.3); c.4539A>C, p.Gln1513His (NM_001318827.2); c.4503A>C, p.Gln1501His (NM_001318829.2); c.4116A>C, p.Gln1372His (NM_001318831.2); c.4680A>C, p.Gln1560His (NM_001318832.2); c.4650A>C, p.Gln1550His (NM_001363528.2); c.4716A>C, p.Gln1572His (NM_001370404.1); and 1 more; short protein forms Q1550H, Q1573H, Q1593H, Q1560H, Q1616H, Q1372H, Q1513H, Q1549H.
Identifiers: ClinVar variation 1360336 (VCV001360336.8), dbSNP rs762819541, ClinGen allele CA394308160.

ClinVar aggregate classification (germline): Uncertain significance (1 of 4 stars; one submission).

Conditions:
Tuberous sclerosis 2 (TSC2). Identifiers: Orphanet 805, MedGen C1860707, MONDO:0013199, OMIM 613254.

Submission:

Labcorp Genetics (formerly Invitae), Labcorp
Classification: Uncertain significance for Tuberous sclerosis 2. Last evaluated: 2021-06-11. Review status: criteria provided, single submitter. Criteria: Invitae Variant Classification Sherloc (09022015). Collection method: clinical testing. Allele origin: germline.
Comment: In summary, the available evidence is currently insufficient to determine the role of this variant in disease. Therefore, it has been classified as a Variant of Uncertain Significance. Algorithms developed to predict the effect of missense changes on protein structure and function are either unavailable or do not agree on the potential impact of this missense change (SIFT: "Deleterious"; PolyPhen-2: "Probably Damaging"; Align-GVGD: "Class C0"). This variant has not been reported in the literature in individuals with TSC2-related conditions. This variant is not present in population databases (ExAC no frequency). This sequence change replaces glutamine with histidine at codon 1616 of the TSC2 protein (p.Gln1616His). The glutamine residue is highly conserved and there is a small physicochemical difference between glutamine and histidine.